The following is an entry in ClinVar:

NM_012330.4(KAT6B):c.3788_3789del (p.Lys1263fs)

Gene: KAT6B (lysine acetyltransferase 6B; plus strand). Cytogenetic location: 10q22.2.
Variant type: Deletion.
Coding change: c.3788_3789del on transcript NM_012330.4 (MANE Select); coding-DNA positions 3788 to 3789, 2 bases deleted (AA; older notation c.3788_3789delAA).
Protein change: p.Lys1263fs; shifts the reading frame from lysine 1263.
Molecular consequence: frameshift variant.
Genome position (GRCh38, 1-based): chr10:75,028,612-75,028,613, AA deleted; deleting any 2 consecutive bases within chr10:75,028,611-75,028,613 gives the same sequence; the c. name uses the placement nearest the transcript's 3' end. VCF-style (leftmost placement, unchanged base first): chr10-75028610-CAA-C. GRCh37 (hg19) VCF-style: chr10-76788368-CAA-C.
Other names: c.3239_3240del, p.Lys1080fs (NM_001256468.2, NM_001370138.1); c.2912_2913del, p.Lys971fs (NM_001256469.2, NM_001370139.1, NM_001370140.1 and 2 more transcripts); c.2750_2751del, p.Lys917fs (NM_001370132.1); c.2099_2100del, p.Lys700fs (NM_001370133.1); c.2723_2724del, p.Lys908fs (NM_001370144.1, NM_001370143.1); c.1703_1704del, p.Lys568fs (NM_001370134.1); c.1445_1446del, p.Lys482fs (NM_001370135.1); c.3788_3789del, p.Lys1263fs (NM_001370136.1, NM_001370137.1); short protein forms K482fs, K908fs, K971fs, K1080fs, K1263fs, K568fs, K700fs, K917fs.
Identifiers: ClinVar variation 140472 (VCV000140472.13), dbSNP rs199470472, ClinGen allele CA129315.
Genomic context (GRCh38, chr10:75,028,610, plus strand): 5'-AAAGTGCAAACAAGTGTGGCCAAAAGGAACAAAGCGCGGTCTATCTAAGTGGAGGCAAAA[CAA>C]AGAGAGGAAGACCGGATTTAAACTGAATTTGTACACCCCGCCAGAAACACCCATGGAGCC-3'

ClinVar aggregate classification (germline): Pathogenic. Review status: criteria provided, multiple submitters, no conflicts (2 of 4 stars). 6 submissions from 6 submitters: Pathogenic (4). 2 of the submissions do not count toward it. Last evaluated 2024-09-02.

Conditions:
Inborn genetic diseases. Identifiers: MedGen C0950123, MeSH D030342.
KAT6B-related disorder. Also called: KAT6B-related disorders; KAT6B-related condition.
Genitopatellar syndrome (GTPTS). Also called: Genitopatellar syndrome (GPS); ABSENT PATELLAE, SCROTAL HYPOPLASIA, RENAL ANOMALIES, FACIAL DYSMORPHISM, AND MENTAL RETARDATION. Identifiers: Orphanet 85201, MedGen C1853566, MONDO:0011640, OMIM 606170.

Submissions (6):

Labcorp Genetics (formerly Invitae), Labcorp
Classification: Pathogenic for Genitopatellar syndrome. Last evaluated: 2024-09-02. Review status: criteria provided, single submitter. Criteria: Invitae Variant Classification Sherloc (09022015). Collection method: clinical testing. Allele origin: germline.
Comment: This sequence change creates a premature translational stop signal (p.Lys1263Argfs*7) in the KAT6B gene. While this is not anticipated to result in nonsense mediated decay, it is expected to disrupt the last 811 amino acid(s) of the KAT6B protein. This variant is not present in population databases (gnomAD no frequency). This premature translational stop signal has been observed in individual(s) with clinical features of genitopatellar syndrome (PMID: 22265014, 32424177; internal data). In at least one individual the variant was observed to be de novo. ClinVar contains an entry for this variant (Variation ID: 140472). For these reasons, this variant has been classified as Pathogenic.

Daryl Scott Lab, Baylor College of Medicine
Classification: Pathogenic for KAT6B-related disorder. Last evaluated: 2024-01-01. Review status: criteria provided, single submitter. Criteria: ACMG Guidelines, 2015. Collection method: clinical testing. Allele origin: de novo. Affected: yes. Observed: 1 heterozygote.
Comment: PVS1, PS2, PM2

GeneDx
Classification: Pathogenic. Last evaluated: 2021-03-22. Review status: criteria provided, single submitter. Criteria: GeneDx Variant Classification Process June 2021. Collection method: clinical testing. Allele origin: germline. Affected: yes.
Comment: Frameshift variant predicted to result in protein truncation, as the last 811 amino acids are replaced with 6 different amino acids; other loss-of-function variants have been reported downstream in the Human Gene Mutation Database (Stenson et al., 2014); Not observed in large population cohorts (Lek et al., 2016); This variant is associated with the following publications: (PMID: 23436491, 32424177, 22265014, 22715153)

Ambry Genetics
Classification: Pathogenic for Inborn genetic diseases. Last evaluated: 2018-04-04. Review status: criteria provided, single submitter. Criteria: Ambry exome assertion method (8-5-2015). Collection method: clinical testing. Allele origin: germline. Affected: yes. Observed: 1 variant allele.

OMIM
Classification: Pathogenic for GENITOPATELLAR SYNDROME. Last evaluated: 2012-02-10. Review status: no assertion criteria provided. Collection method: literature only. Allele origin: germline. Not counted in ClinVar's aggregate classification.

Lee Lab(KAT6B), Baylor College of Medicine
No classification provided. Review status: no classification provided. Collection method: not provided. Allele origin: unknown. Not counted in ClinVar's aggregate classification.

Literature cited by the submitters: PubMed 22265014 (cited by 3 submitters); PubMed 32424177 (cited by Labcorp Genetics (formerly Invitae), Labcorp); PubMed 23436491 (cited by Ambry Genetics); PubMed 29226580 (cited by Ambry Genetics).